The following is an entry in ClinVar:

ClinVar aggregate classification (germline): Uncertain significance (1 of 4 stars; one submission).

gnomAD v4.1: 5 of 1,613,818 alleles (0.00031%); highest among the groups gnomAD compares: Non-Finnish European, 0.00042%; no homozygotes.

Submission:

Mayo Clinic Laboratories, Mayo Clinic
Classification: Uncertain significance. Last evaluated: 2025-05-05. Review status: criteria provided, single submitter. Criteria: ACMG Guidelines, 2015. Collection method: clinical testing. Allele origin: germline. Observed: 2 variant alleles.
Comment: BP4_moderate

NM_000384.3(APOB):c.12875C>T (p.Thr4292Ile)

Gene: APOB (apolipoprotein B; minus strand). Cytogenetic location: 2p24.1.
Variant type: single nucleotide variant.
Coding change: c.12875C>T on transcript NM_000384.3 (MANE Select); coding-DNA position 12875, C replaced by T.
Protein change: p.Thr4292Ile; replaces threonine 4292 with isoleucine.
Molecular consequence: missense variant.
Genome position (GRCh38, 1-based): chr2:21,002,547, G>A on the plus strand (C>T on the coding strand, the complement: APOB is on the minus strand). VCF-style: chr2-21002547-G-A. GRCh37 (hg19) VCF-style: chr2-21225419-G-A.
Other names: p.Thr4292Ile; short protein forms T4292I.
Identifiers: ClinVar variation 4542535 (VCV004542535.1).
Genomic context (GRCh38, chr2:21,002,547, plus strand): 5'-TCTTCTATTAGTTGGAAAATGAATTGTAAAAGGTCCTGAAGATTACGTAGCACCTCTGTG[G>A]TCTTGAGAGACTGAATGGCTTTAAATACCTCTTGGGCTTCTTTTGATAAATCTTTCAACA-3'
Protein context (NP_000375.3, residues 4282-4302): EVFKAIQSLK[Thr4292Ile]TEVLRNLQDL